The following is an entry in ClinVar:

NM_017654.4(SAMD9):c.1015T>G (p.Phe339Val)

Gene: SAMD9 (sterile alpha motif domain containing 9; minus strand). Cytogenetic location: 7q21.2.
Variant type: single nucleotide variant.
Coding change: c.1015T>G on transcript NM_017654.4 (MANE Select); coding-DNA position 1015, T replaced by G.
Protein change: p.Phe339Val; replaces phenylalanine 339 with valine.
Molecular consequence: missense variant.
Genome position (GRCh38, 1-based): chr7:93,105,083, A>C on the plus strand (T>G on the coding strand, the complement: SAMD9 is on the minus strand). VCF-style: chr7-93105083-A-C. GRCh37 (hg19) VCF-style: chr7-92734396-A-C.
Other names: c.1015T>G, p.Phe339Val (NM_001193307.2); short protein forms F339V.
Identifiers: ClinVar variation 4159229 (VCV004159229.1).

ClinVar aggregate classification (germline): Uncertain significance (1 of 4 stars; one submission).

Conditions:
Inborn genetic diseases. Identifiers: MedGen C0950123, MeSH D030342.

Submission:

Ambry Genetics
Classification: Uncertain significance for Inborn genetic diseases. Last evaluated: 2025-09-14. Review status: criteria provided, single submitter. Criteria: Ambry Variant Classification Scheme 2023. Collection method: clinical testing. Allele origin: germline.
Comment: The p.F339V variant (also known as c.1015T>G), located in coding exon 1 of the SAMD9 gene, results from a T to G substitution at nucleotide position 1015. The phenylalanine at codon 339 is replaced by valine, an amino acid with highly similar properties. This amino acid position is conserved. In addition, this alteration is predicted to be tolerated by in silico analysis. Based on the available evidence, the clinical significance of this variant remains unclear.